The following is an entry in ClinVar:

NM_018896.5(CACNA1G):c.6973C>A (p.Pro2325Thr)

Gene: CACNA1G (calcium voltage-gated channel subunit alpha1 G; plus strand). Cytogenetic location: 17q21.33.
Variant type: single nucleotide variant.
Coding change: c.6973C>A on transcript NM_018896.5 (MANE Select); coding-DNA position 6973, C replaced by A.
Protein change: p.Pro2325Thr; replaces proline 2325 with threonine.
Molecular consequence: missense variant. On other transcripts: non-coding transcript variant (5).
Genome position (GRCh38, 1-based): chr17:50,626,590, C>A. VCF-style: chr17-50626590-C-A. GRCh37 (hg19) VCF-style: chr17-48703951-C-A.
Other names: c.6784C>A, p.Pro2262Thr (NM_001256324.2); c.6715C>A, p.Pro2239Thr (NM_001256325.2); c.6703C>A, p.Pro2235Thr (NM_001256326.2); c.6673C>A, p.Pro2225Thr (NM_001256327.2); c.6619C>A, p.Pro2207Thr (NM_001256328.2); c.6592C>A, p.Pro2198Thr (NM_001256329.2, NM_198387.3); c.6559C>A, p.Pro2187Thr (NM_001256330.2); c.6538C>A, p.Pro2180Thr (NM_001256331.2); and 18 more; short protein forms P2119T, P2175T, P2194T, P2205T, P2214T, P2262T, P2325T, P2142T.
Identifiers: ClinVar variation 2283532 (VCV002283532.3), dbSNP rs747212445, ClinGen allele CA8653777.

ClinVar aggregate classification (germline): Uncertain significance. Review status: criteria provided, multiple submitters, no conflicts (2 of 4 stars). 2 submissions from 2 submitters: Uncertain significance (2). Last evaluated 2025-11-03.

Conditions:
Inborn genetic diseases. Identifiers: MedGen C0950123, MeSH D030342.

Allele frequency attached by ClinVar (database versions not stated): gnomAD exomes 0.00001; ExAC 0.00002.
gnomAD v4.1: 4 of 1,611,814 alleles (0.00025%); highest among the groups gnomAD compares: South Asian, 0.0044%; no homozygotes.

Submissions (2):

Women's Health and Genetics/Laboratory Corporation of America, LabCorp
Classification: Uncertain significance. Last evaluated: 2025-11-03. Review status: criteria provided, single submitter. Criteria: LabCorp Variant Classification Summary - May 2015. Collection method: clinical testing. Allele origin: germline.
Comment: Variant summary: CACNA1G c.6973C>A (p.Pro2325Thr) results in a non-conservative amino acid change in the encoded protein sequence. Algorithms developed to predict the effect of missense changes on protein structure and function are either unavailable or do not agree on the potential impact of this missense change. The variant allele was found at a frequency of 1.2e-05 in 242854 control chromosomes. The available data on variant occurrences in the general population are insufficient to allow any conclusion about variant significance. To our knowledge, no occurrence of c.6973C>A in individuals affected with CACNA1G-related conditions and no experimental evidence demonstrating its impact on protein function have been reported. ClinVar contains an entry for this variant (Variation ID: 2283532). Based on the evidence outlined above, the variant was classified as uncertain significance.

Ambry Genetics
Classification: Uncertain significance for Inborn genetic diseases. Last evaluated: 2022-04-13. Review status: criteria provided, single submitter. Criteria: Ambry Variant Classification Scheme 2023. Collection method: clinical testing. Allele origin: germline.